The following is an entry in ClinVar:

ClinVar aggregate classification (germline): Uncertain significance. Review status: criteria provided, multiple submitters, no conflicts (2 of 4 stars). 2 submissions from 2 submitters: Uncertain significance (2). Last evaluated 2026-06-15.

Conditions:
PTPRQ-related disorder. Also called: PTPRQ-related condition.

Submissions (2):

PreventionGenetics, part of Exact Sciences
Classification: Uncertain significance for PTPRQ-related condition. Last evaluated: 2026-06-15. Review status: criteria provided, single submitter. Criteria: ACMG Guidelines, 2015. Collection method: clinical testing. Allele origin: germline.
Comment: The PTPRQ c.6890C>A variant is predicted to result in the amino acid substitution p.Thr2297Asn. To our knowledge, this variant has not been reported in the literature or in a large population database (gnomAD), indicating this variant is rare. At this time, the clinical significance of this variant is uncertain due to the absence of conclusive functional and genetic evidence.

GeneDx
Classification: Uncertain significance. Last evaluated: 2024-12-26. Review status: criteria provided, single submitter. Criteria: GeneDx Variant Classification Process June 2021. Collection method: clinical testing. Allele origin: germline. Affected: yes.
Comment: Not observed at significant frequency in large population cohorts (gnomAD); In silico analysis supports that this missense variant has a deleterious effect on protein structure/function; Has not been previously published as pathogenic or benign to our knowledge

NM_001145026.2(PTPRQ):c.6890C>A (p.Thr2297Asn)

Gene: PTPRQ (protein tyrosine phosphatase receptor type Q; plus strand). Cytogenetic location: 12q21.31.
Variant type: single nucleotide variant.
Coding change: c.6890C>A on transcript NM_001145026.2 (MANE Select); coding-DNA position 6890, C replaced by A.
Protein change: p.Thr2297Asn; replaces threonine 2297 with asparagine.
Molecular consequence: missense variant.
Genome position (GRCh38, 1-based): chr12:80,679,013, C>A. VCF-style: chr12-80679013-C-A. GRCh37 (hg19) VCF-style: chr12-81072792-C-A.
Other names: short protein forms T2297N.
Identifiers: ClinVar variation 3907774 (VCV003907774.2).